The following is an entry in ClinVar:

NM_002206.3(ITGA7):c.415-10C>T

Gene: ITGA7 (integrin subunit alpha 7; minus strand). Cytogenetic location: 12q13.2.
Variant type: single nucleotide variant.
Coding change: c.415-10C>T on transcript NM_002206.3 (MANE Select); 10 bases into the intron before coding-DNA position 415, C replaced by T.
Molecular consequence: intron variant.
Genome position (GRCh38, 1-based): chr12:55,701,164, G>A on the plus strand (C>T on the coding strand, the complement: ITGA7 is on the minus strand). VCF-style: chr12-55701164-G-A. GRCh37 (hg19) VCF-style: chr12-56094948-G-A.
Other names: p.?; c.124-10C>T (NM_001144997.2); c.76-10C>T (NM_001367993.1, NM_001414035.1); c.415-193C>T (NM_001414033.1); c.-758-10C>T (NM_001367994.1); c.415-10C>T (NM_001414032.1, NM_001414031.1, NM_001374465.1 and 5 more transcripts).
Identifiers: ClinVar variation 94045 (VCV000094045.23), dbSNP rs11171661, ClinGen allele CA147566.

ClinVar aggregate classification (germline): Benign. Review status: criteria provided, multiple submitters, no conflicts (2 of 4 stars). 8 submissions from 8 submitters: Benign (7). 1 of the submissions does not count toward it. Last evaluated 2026-02-01.

Conditions:
Congenital muscular dystrophy due to integrin alpha-7 deficiency. Also called: Congenital muscular dystrophy with integrin alpha-7 deficiency; MYOPATHY, CONGENITAL, DUE TO INTEGRIN ALPHA-7 DEFICIENCY; Muscular dystrophy, congenital, due to ITGA7 deficiency. Identifiers: Orphanet 34520, MedGen C2750786, MONDO:0013177, OMIM 613204.

Allele frequency attached by ClinVar (database versions not stated): 1000 Genomes Project 0.02556; 1000 Genomes Project 30x 0.02701; TOPMed 0.06033; gnomAD exomes 0.06274 and 0.08764; gnomAD 0.06287 and 0.06475; ExAC 0.06384; ESP Exome Variant Server 0.07227.
gnomAD v4.1: 137,081 of 1,613,994 alleles (8.5%); highest among the groups gnomAD compares: Non-Finnish European, 10%; 6,764 homozygotes.

Submissions (8):

Labcorp Genetics (formerly Invitae), Labcorp
Classification: Benign for Congenital muscular dystrophy due to integrin alpha-7 deficiency. Last evaluated: 2026-02-01. Review status: criteria provided, single submitter. Criteria: Invitae Variant Classification Sherloc (09022015). Collection method: clinical testing. Allele origin: germline.

Athena Diagnostics
Classification: Benign. Last evaluated: 2021-03-31. Review status: criteria provided, single submitter. Criteria: Athena Diagnostics criteria. Collection method: clinical testing. Allele origin: unknown.

Mayo Clinic Laboratories, Mayo Clinic
Classification: Benign. Last evaluated: 2017-12-06. Review status: criteria provided, single submitter. Criteria: ACMG Guidelines, 2015. Collection method: clinical testing. Allele origin: germline. Observed: 111 variant alleles.

GeneDx
Classification: Benign. Last evaluated: 2016-01-26. Review status: criteria provided, single submitter. Criteria: GeneDx Variant Classification (06012015). Collection method: clinical testing. Allele origin: germline. Affected: yes.
Comment: This variant is considered likely benign or benign based on one or more of the following criteria: it is a conservative change, it occurs at a poorly conserved position in the protein, it is predicted to be benign by multiple in silico algorithms, and/or has population frequency not consistent with disease.

Eurofins Ntd Llc (ga)
Classification: Benign. Last evaluated: 2012-09-20. Review status: criteria provided, single submitter. Criteria: EGL Classification Definitions 2015. Collection method: clinical testing. Allele origin: germline. Observed: 3 variant alleles, 3 heterozygotes.

Breakthrough Genomics
Classification: Benign. Review status: criteria provided, single submitter. Criteria: ACMG Guidelines, 2015. Collection method: not provided. Allele origin: germline. Inheritance: Autosomal recessive inheritance. Affected: yes.

PreventionGenetics, part of Exact Sciences
Classification: Benign. Review status: criteria provided, single submitter. Criteria: ACMG Guidelines, 2015. Collection method: clinical testing. Allele origin: germline.

Genetic Services Laboratory, University of Chicago
Classification: Likely benign for AllHighlyPenetrant. Review status: no assertion criteria provided. Collection method: clinical testing. Allele origin: germline. Inheritance: Autosomal recessive inheritance. Not counted in ClinVar's aggregate classification.
Comment: Likely benign based on allele frequency in 1000 Genomes Project or ESP global frequency and its presence in a patient with a rare or unrelated disease phenotype. NOT Sanger confirmed.